The following is an entry in ClinVar:

ClinVar aggregate classification (germline): Pathogenic (1 of 4 stars; one submission).

Conditions:
Hypogonadotropic hypogonadism 2 with or without anosmia (HH2). Also called: FGFR1-Related GnRH Deficiency (Kallmann Syndrome 2); HYPOGONADOTROPIC HYPOGONADISM 2 WITHOUT ANOSMIA; HYPOGONADOTROPIC HYPOGONADISM 2 WITH OR WITHOUT ANOSMIA, SUSCEPTIBILITY TO; HYPOGONADOTROPIC HYPOGONADISM 2 WITHOUT ANOSMIA, SUSCEPTIBILITY TO. Identifiers: Orphanet 478, MedGen C1563720, MONDO:0007844, OMIM 147950. Disease mechanism: loss of function.

Submission:

Reproductive Endocrine Unit, Massachusetts General Hospital
Classification: Pathogenic for Hypogonadotropic hypogonadism 2 with or without anosmia. Last evaluated: 2023-05-04. Review status: criteria provided, single submitter. Criteria: ACMG Guidelines, 2015. Collection method: research. Allele origin: unknown, inherited. Affected: yes. Observed: 3 variant alleles.
Comment: The variant NM_023110.2:c.92-1G>T, has been classified as P1c based on the variant meeting the following ACMG Criteria: PVS1,PM2,PP3.

NM_023110.3(FGFR1):c.92-1G>T

Gene: FGFR1 (fibroblast growth factor receptor 1; minus strand). Cytogenetic location: 8p11.23.
Variant type: single nucleotide variant.
Coding change: c.92-1G>T on transcript NM_023110.3 (MANE Select); the canonical splice acceptor site of the intron before coding-DNA position 92, G replaced by T.
Molecular consequence: splice acceptor variant. On other transcripts: intron variant (5).
Genome position (GRCh38, 1-based): chr8:38,429,949, C>A on the plus strand (G>T on the coding strand, the complement: FGFR1 is on the minus strand). VCF-style: chr8-38429949-C-A. GRCh37 (hg19) VCF-style: chr8-38287467-C-A.
Other names: c.92-1514G>T (NM_001354368.2, NM_001354370.2, NM_023106.3 and 2 more transcripts); c.92-1G>T (NM_001354367.2, NM_015850.4, NM_001174063.2 and 3 more transcripts); c.68-1G>T (NM_001174064.2); c.191-1G>T (NM_001174067.2).
Identifiers: ClinVar variation 2505460 (VCV002505460.1), dbSNP rs2150967659, ClinGen allele CA370736670.